The following is an entry in ClinVar:

ClinVar aggregate classification (germline): Uncertain significance (1 of 4 stars; one submission).

Conditions:
Carnitine palmitoyltransferase II deficiency. Also called: Carnitine Palmitoyltransferase 2 Deficiency. Identifiers: Orphanet 157, MedGen C0342790, MONDO:0015515.

Allele frequency attached by ClinVar (database versions not stated): TOPMed 0.00001.
gnomAD v4.1: 19 of 1,532,574 alleles (0.0012%); highest among the groups gnomAD compares: Non-Finnish European, 0.0017%; no homozygotes.

Submission:

Labcorp Genetics (formerly Invitae), Labcorp
Classification: Uncertain significance for Carnitine palmitoyltransferase II deficiency. Last evaluated: 2022-06-14. Review status: criteria provided, single submitter. Criteria: Invitae Variant Classification Sherloc (09022015). Collection method: clinical testing. Allele origin: germline.
Comment: This sequence change replaces alanine, which is neutral and non-polar, with valine, which is neutral and non-polar, at codon 20 of the CPT2 protein (p.Ala20Val). This variant is present in population databases (no rsID available, gnomAD 0.002%). This variant has not been reported in the literature in individuals affected with CPT2-related conditions. Advanced modeling of protein sequence and biophysical properties (such as structural, functional, and spatial information, amino acid conservation, physicochemical variation, residue mobility, and thermodynamic stability) performed at Invitae indicates that this missense variant is not expected to disrupt CPT2 protein function. In summary, the available evidence is currently insufficient to determine the role of this variant in disease. Therefore, it has been classified as a Variant of Uncertain Significance.

NM_000098.3(CPT2):c.59C>T (p.Ala20Val)

Genes: CPT2 (carnitine palmitoyltransferase 2; plus strand), LOC129930561 (ATAC-STARR-seq lymphoblastoid silent region 902; plus strand). Cytogenetic location: 1p32.3.
Variant type: single nucleotide variant.
Coding change: c.59C>T on transcript NM_000098.3 (MANE Select); coding-DNA position 59, C replaced by T.
Protein change: p.Ala20Val; replaces alanine 20 with valine.
Molecular consequence: missense variant.
Genome position (GRCh38, 1-based): chr1:53,197,002, C>T. VCF-style: chr1-53197002-C-T. GRCh37 (hg19) VCF-style: chr1-53662674-C-T.
Other names: c.59C>T, p.Ala20Val (NM_001330589.2); short protein forms A20V.
Identifiers: ClinVar variation 1984282 (VCV001984282.1), dbSNP rs533282672, ClinGen allele CA22626401.